The following is an entry in ClinVar:

ClinVar aggregate classification (germline): Uncertain significance (1 of 4 stars; one submission).

gnomAD v4.1: 2 of 1,614,132 alleles (0.00012%); highest among the groups gnomAD compares: Non-Finnish European, 0.00017%; no homozygotes.

Submission:

Labcorp Genetics (formerly Invitae), Labcorp
Classification: Uncertain significance. Last evaluated: 2024-05-21. Review status: criteria provided, single submitter. Criteria: Invitae Variant Classification Sherloc (09022015). Collection method: clinical testing. Allele origin: germline.
Comment: This sequence change replaces alanine, which is neutral and non-polar, with aspartic acid, which is acidic and polar, at codon 217 of the LHCGR protein (p.Ala217Asp). This variant is present in population databases (rs746391297, gnomAD 0.0009%). This variant has not been reported in the literature in individuals affected with LHCGR-related conditions. Advanced modeling of protein sequence and biophysical properties (such as structural, functional, and spatial information, amino acid conservation, physicochemical variation, residue mobility, and thermodynamic stability) performed at Invitae indicates that this missense variant is expected to disrupt LHCGR protein function with a positive predictive value of 80%. In summary, the available evidence is currently insufficient to determine the role of this variant in disease. Therefore, it has been classified as a Variant of Uncertain Significance.

NM_000233.4(LHCGR):c.650C>A (p.Ala217Asp)

Genes: LHCGR (luteinizing hormone/choriogonadotropin receptor; minus strand), STON1-GTF2A1L (STON1-GTF2A1L readthrough; plus strand). Cytogenetic location: 2p16.3.
Variant type: single nucleotide variant.
Coding change: c.650C>A on transcript NM_000233.4 (MANE Select); coding-DNA position 650, C replaced by A.
Protein change: p.Ala217Asp; replaces alanine 217 with aspartic acid.
Molecular consequence: missense variant. On other transcripts: intron variant (1).
Genome position (GRCh38, 1-based): chr2:48,708,978, G>T on the plus strand (C>A on the coding strand, the complement: LHCGR is on the minus strand). VCF-style: chr2-48708978-G-T. GRCh37 (hg19) VCF-style: chr2-48936117-G-T.
Other names: c.3441+37298G>T (NM_001198593.2); short protein forms A217D.
Identifiers: ClinVar variation 3647760 (VCV003647760.2).